The following is an entry in ClinVar:

NM_173076.3(ABCA12):c.1222T>C (p.Ser408Pro)

Gene: ABCA12 (ATP binding cassette subfamily A member 12; minus strand). Cytogenetic location: 2q35.
Variant type: single nucleotide variant.
Coding change: c.1222T>C on transcript NM_173076.3 (MANE Select); coding-DNA position 1222, T replaced by C.
Protein change: p.Ser408Pro; replaces serine 408 with proline.
Molecular consequence: missense variant. On other transcripts: non-coding transcript variant (1).
Genome position (GRCh38, 1-based): chr2:215,025,738, A>G on the plus strand (T>C on the coding strand, the complement: ABCA12 is on the minus strand). VCF-style: chr2-215025738-A-G. GRCh37 (hg19) VCF-style: chr2-215890462-A-G.
Other names: c.268T>C, p.Ser90Pro (NM_015657.4); short protein forms S408P, S90P.
Identifiers: ClinVar variation 624177 (VCV000624177.57), dbSNP rs189141015, ClinGen allele CA2092304.
Genomic context (GRCh38, chr2:215,025,738, plus strand): 5'-ATTTTAGGACTTCAGGAACTGGAGGAAAGTAATCTTCATAGGAACCATTGCGAAGAAAAG[A>G]TTTTTTAAATCGTATTGTGGACTGCAGGAGTCTTAGATTTTCTGTAAAGGAAGGGAGAAG-3'
Protein context (NP_775099.2, residues 398-418): LLQSTIRFKK[Ser408Pro]FLRNGSYEDY

ClinVar aggregate classification (germline): Benign/Likely benign. Review status: criteria provided, multiple submitters, no conflicts (2 of 4 stars). 6 submissions from 6 submitters: Benign (1); Likely benign (3). 2 of the submissions do not count toward it. Last evaluated 2026-01-29.

Conditions:
Congenital ichthyosis of skin. Identifiers: MedGen C0020758.
ABCA12-related disorder. Also called: ABCA12-related condition.

Allele frequency attached by ClinVar (database versions not stated): ESP Exome Variant Server 0.00008; gnomAD 0.00022 and 0.00054; TOPMed 0.00040; gnomAD exomes 0.00069 and 0.00126; ExAC 0.00145; 1000 Genomes Project 0.00260; 1000 Genomes Project 30x 0.00312.
gnomAD v4.1: 1,093 of 1,613,092 alleles (0.068%); highest among the groups gnomAD compares: South Asian, 0.82%; 6 homozygotes.

Submissions (6):

Labcorp Genetics (formerly Invitae), Labcorp
Classification: Benign. Last evaluated: 2026-01-29. Review status: criteria provided, single submitter. Criteria: Invitae Variant Classification Sherloc (09022015). Collection method: clinical testing. Allele origin: germline.

CeGaT Center for Human Genetics Tuebingen
Classification: Likely benign. Last evaluated: 2018-05-01. Review status: criteria provided, single submitter. Criteria: CeGaT Center For Human Genetics Tuebingen Variant Classification Criteria Version 2. Collection method: clinical testing. Allele origin: germline. Affected: yes. Observed: 1 variant allele.

Illumina Laboratory Services, Illumina
Classification: Likely benign for Congenital ichthyosis of skin. Last evaluated: 2018-01-12. Review status: criteria provided, single submitter. Criteria: ICSL Variant Classification Criteria 13 December 2019. Collection method: clinical testing. Allele origin: germline.
Comment: This variant was observed in the ICSL laboratory as part of a predisposition screen in an ostensibly healthy population. It had not been previously curated by ICSL or reported in the Human Gene Mutation Database (HGMD: prior to June 1st, 2018), and was therefore a candidate for classification through an automated scoring system. Utilizing variant allele frequency, disease prevalence and penetrance estimates, and inheritance mode, an automated score was calculated to assess if this variant is too frequent to cause the disease. Based on the score and internal cut-off values, a variant classified as likely benign is not then subjected to further curation. The score for this variant resulted in a classification of likely benign for this disease.

Breakthrough Genomics
Classification: Likely benign. Review status: criteria provided, single submitter. Criteria: ACMG Guidelines, 2015. Collection method: not provided. Allele origin: germline. Inheritance: Autosomal recessive inheritance. Affected: yes.

PreventionGenetics, part of Exact Sciences
Classification: Likely benign for ABCA12-related condition. Last evaluated: 2019-03-08. Review status: no assertion criteria provided. Collection method: clinical testing. Allele origin: germline. Not counted in ClinVar's aggregate classification.
Comment: This variant is classified as likely benign based on ACMG/AMP sequence variant interpretation guidelines (Richards et al. 2015 PMID: 25741868, with internal and published modifications).

Department of Pathology and Laboratory Medicine, Sinai Health System
Classification: Likely benign. Review status: no assertion criteria provided. Collection method: clinical testing. Allele origin: unknown. Affected: yes. Study: The Canadian Open Genetics Repository (COGR). Not counted in ClinVar's aggregate classification.
Comment: The ABCA12 p.Ser408Pro variant was not identified in the literature but was identified in dbSNP (ID: rs189141015) and ClinVar (classification not provided). The variant was identified in control databases in 323 of 282404 chromosomes (3 homozygous) at a frequency of 0.001144 increasing the likelihood this could be a low frequency benign variant (Genome Aggregation Database March 6, 2019, v2.1.1). The variant was observed in the following populations: South Asian in 263 of 30604 chromosomes (freq: 0.008594), Other in 4 of 7208 chromosomes (freq: 0.000555), European (non-Finnish) in 44 of 129014 chromosomes (freq: 0.000341), Latino in 10 of 35404 chromosomes (freq: 0.000283), Ashkenazi Jewish in 1 of 10366 chromosomes (freq: 0.000096) and African in 1 of 24886 chromosomes (freq: 0.00004), but was not observed in the East Asian or European (Finnish) populations. The p.Ser408 residue is not conserved in mammals and computational analyses (PolyPhen-2, SIFT, AlignGVGD, BLOSUM, MutationTaster) do not suggest a high likelihood of impact to the protein; however, this information is not predictive enough to rule out pathogenicity. The variant occurs outside of the splicing consensus sequence and in silico or computational prediction software programs (SpliceSiteFinder, MaxEntScan, NNSPLICE, GeneSplicer) do not predict a difference in splicing. In summary, based on the above information the clinical significance of this variant cannot be determined with certainty at this time although we would lean towards a more benign role for this variant. This variant is classified as likely benign.